The following is an entry in ClinVar:

NM_001039141.3(TRIOBP):c.131C>G (p.Ser44Ter)

Gene: TRIOBP (TRIO and F-actin binding protein; plus strand). Cytogenetic location: 22q13.1.
Variant type: single nucleotide variant.
Coding change: c.131C>G on transcript NM_001039141.3 (MANE Select); coding-DNA position 131, C replaced by G.
Protein change: p.Ser44Ter; replaces serine 44 with a stop codon.
Molecular consequence: nonsense.
Genome position (GRCh38, 1-based): chr22:37,710,443, C>G. VCF-style: chr22-37710443-C-G. GRCh37 (hg19) VCF-style: chr22-38106450-C-G.
Other names: short protein forms S44*.
Identifiers: ClinVar variation 627487 (VCV000627487.3), dbSNP rs1569034190, ClinGen allele CA411446723.

ClinVar aggregate classification (germline): Likely pathogenic. Review status: criteria provided, single submitter (1 of 4 stars). 2 submissions from 2 submitters: Likely pathogenic (1). 1 of the submissions does not count toward it.

Conditions:
Autosomal recessive nonsyndromic hearing loss 28. Identifiers: Orphanet 90636, MedGen C1853276, MONDO:0012355, OMIM 609823.

Submissions (2):

Juno Genomics, Hangzhou Juno Genomics, Inc
Classification: Likely pathogenic for Autosomal recessive nonsyndromic hearing loss 28. Review status: criteria provided, single submitter. Criteria: ACMG Guidelines, 2015. Collection method: clinical testing. Allele origin: germline.
Comment: Null variant in a gene where loss of function (LOF) is a known mechanism of disease.;Absent from controls (or at extremely low frequency if recessive) in Genome Aggregation Database.

Genetic Testing Center for Deafness, Department of Otolaryngology Head & Neck Surgery, Institute of Otolaryngology, Chinese PLA General Hospital
Classification: Likely pathogenic for Autosomal recessive nonsyndromic hearing loss 28. Last evaluated: 2019-02-26. Review status: no assertion criteria provided. Collection method: case-control. Allele origin: inherited. Affected: yes. Observed: 1 variant allele. Not counted in ClinVar's aggregate classification.